The following is an entry in ClinVar:

NM_006218.4(PIK3CA):c.211G>C (p.Val71Leu)

Gene: PIK3CA (phosphatidylinositol-4,5-bisphosphate 3-kinase catalytic subunit alpha; plus strand). Cytogenetic location: 3q26.32.
Variant type: single nucleotide variant.
Coding change: c.211G>C on transcript NM_006218.4 (MANE Select); coding-DNA position 211, G replaced by C.
Protein change: p.Val71Leu; replaces valine 71 with leucine.
Molecular consequence: missense variant.
Genome position (GRCh38, 1-based): chr3:179,199,036, G>C. VCF-style: chr3-179199036-G-C. GRCh37 (hg19) VCF-style: chr3-178916824-G-C.
Other names: short protein forms V71L.
Identifiers: ClinVar variation 4855584 (VCV004855584.1).

ClinVar aggregate classification (germline): Uncertain significance (1 of 4 stars; one submission).

Conditions:
PIK3CA-related disorder. Also called: PIK3CA- related disease; PIK3CA-related condition; PIK3CA-related disorders.

Submission:

3billion
Classification: Uncertain significance for PIK3CA-related disorder. Last evaluated: 2025-09-16. Review status: criteria provided, single submitter. Criteria: ACMG Guidelines, 2015. Collection method: clinical testing. Allele origin: germline. Affected: yes.
Comment: The variant is not observed in the gnomAD v4.1.0 dataset. Predicted Consequence/Location: The variant is located in a mutational hot spot and/or well-established functional domain in which established pathogenic variants have been reported (PMID: 26637981, 24459181, 27631024). Missense variant. Missense changes are a common disease-causing mechanism. In silico tools predict the variant to alter splicing and produce an abnormal transcript [SpliceAI: 0.37 (>=0.2, moderate evidence for spliceogenicity)]. Different missense changes at the same codon have been reported as of uncertain significance (ClinVar ID: VCV000456536). Therefore, this variant is classified as VUS according to the recommendation of ACMG/AMP guideline.